The following is an entry in ClinVar:

ClinVar aggregate classification (germline): Likely benign. Review status: criteria provided, multiple submitters, no conflicts (2 of 4 stars). 4 submissions from 4 submitters: Likely benign (3). 1 of the submissions does not count toward it. Last evaluated 2026-01-23.

Conditions:
Cardiovascular phenotype. Identifiers: MedGen CN230736.
Duchenne muscular dystrophy (DMD). Also called: MUSCULAR DYSTROPHY, PSEUDOHYPERTROPHIC PROGRESSIVE, DUCHENNE TYPE; Duchenne Muscular Dystrophy (DMD). Identifiers: Orphanet 98896, MedGen C0013264, MONDO:0010679, OMIM 310200.
Dystrophin deficiency.

Allele frequency attached by ClinVar (database versions not stated): gnomAD exomes 0.00001; ExAC 0.00003; TOPMed below 0.00001.
gnomAD v4.1: 6 of 1,205,765 alleles (0.0005%); highest among the groups gnomAD compares: Non-Finnish European, 0.00067%; no homozygotes.

Submissions (4):

Labcorp Genetics (formerly Invitae), Labcorp
Classification: Likely benign for Duchenne muscular dystrophy. Last evaluated: 2026-01-23. Review status: criteria provided, single submitter. Criteria: Invitae Variant Classification Sherloc (09022015). Collection method: clinical testing. Allele origin: germline.

Ambry Genetics
Classification: Likely benign for Cardiovascular phenotype. Last evaluated: 2025-05-02. Review status: criteria provided, single submitter. Criteria: Ambry Variant Classification Scheme 2023. Collection method: clinical testing. Allele origin: germline.

GeneDx
Classification: Likely benign. Last evaluated: 2018-06-15. Review status: criteria provided, single submitter. Criteria: GeneDx Variant Classification (06012015). Collection method: clinical testing. Allele origin: germline. Affected: yes.
Comment: This variant is considered likely benign or benign based on one or more of the following criteria: it is a conservative change, it occurs at a poorly conserved position in the protein, it is predicted to be benign by multiple in silico algorithms, and/or has population frequency not consistent with disease.

Natera, Inc.
Classification: Likely benign for Dystrophin deficiency. Last evaluated: 2020-09-16. Review status: no assertion criteria provided. Collection method: clinical testing. Allele origin: germline. Not counted in ClinVar's aggregate classification.

NM_004006.3(DMD):c.6363A>G (p.Thr2121=)

Gene: DMD (dystrophin; minus strand). Cytogenetic location: Xp21.1.
Variant type: single nucleotide variant.
Coding change: c.6363A>G on transcript NM_004006.3 (MANE Select); coding-DNA position 6363, A replaced by G.
Protein change: p.Thr2121=; no amino-acid change (threonine 2121 retained).
Molecular consequence: synonymous variant.
Genome position (GRCh38, 1-based): chrX:32,216,991, T>C on the plus strand (A>G on the coding strand, the complement: DMD is on the minus strand). VCF-style: chrX-32216991-T-C. GRCh37 (hg19) VCF-style: chrX-32235108-T-C.
Other names: c.6339A>G, p.Thr2113= (NM_000109.4); c.6351A>G, p.Thr2117= (NM_004009.3); c.5994A>G, p.Thr1998= (NM_004010.3); c.2340A>G, p.Thr780= (NM_004011.4); c.2331A>G, p.Thr777= (NM_004012.4).
Identifiers: ClinVar variation 672190 (VCV000672190.4), dbSNP rs754658612, ClinGen allele CA10378482.